The following is an entry in ClinVar:

NM_000090.4(COL3A1):c.2678C>T (p.Pro893Leu)

Gene: COL3A1 (collagen type III alpha 1 chain; plus strand). Cytogenetic location: 2q32.2.
Variant type: single nucleotide variant.
Coding change: c.2678C>T on transcript NM_000090.4 (MANE Select); coding-DNA position 2678, C replaced by T.
Protein change: p.Pro893Leu; replaces proline 893 with leucine.
Molecular consequence: missense variant.
Genome position (GRCh38, 1-based): chr2:189,003,998, C>T. VCF-style: chr2-189003998-C-T. GRCh37 (hg19) VCF-style: chr2-189868724-C-T.
Other names: short protein forms P893L.
Identifiers: ClinVar variation 843197 (VCV000843197.13), dbSNP rs1455100373, ClinGen allele CA349843732.

ClinVar aggregate classification (germline): Uncertain significance. Review status: criteria provided, multiple submitters, no conflicts (2 of 4 stars). 5 submissions from 5 submitters: Uncertain significance (5). Last evaluated 2025-12-31.

Conditions:
Familial thoracic aortic aneurysm and aortic dissection (TAAD). Also called: Thoracic aortic aneurysms and dissections. Identifiers: Orphanet 91387, MedGen C4707243, MONDO:0019625.
Polymicrogyria with or without vascular-type Ehlers-Danlos syndrome. Identifiers: Orphanet 636941, MedGen C5193040, MONDO:0032688, OMIM 618343.
Ehlers-Danlos syndrome, type 4 (EDSVASC). Also called: Ehlers-Danlos Syndrome Type IV; Ehlers-Danlos syndrome vascular type; Ehlers Danlos syndrome, ecchymotic type; Ehlers Danlos syndrome, arterial type; Ehlers Danlos syndrome, Sack-Barabas type. Identifiers: Orphanet 286, MedGen C0268338, MONDO:0017314, OMIM 130050.

Allele frequency attached by ClinVar (database versions not stated): gnomAD 0.00001; gnomAD exomes 0.00001; TOPMed 0.00001.

Submissions (5):

Labcorp Genetics (formerly Invitae), Labcorp
Classification: Uncertain significance for Ehlers-Danlos syndrome, type 4. Last evaluated: 2025-12-31. Review status: criteria provided, single submitter. Criteria: Invitae Variant Classification Sherloc (09022015). Collection method: clinical testing. Allele origin: germline.
Comment: This sequence change replaces proline, which is neutral and non-polar, with leucine, which is neutral and non-polar, at codon 893 of the COL3A1 protein (p.Pro893Leu). This variant is present in population databases (no rsID available, gnomAD 0.002%). This variant has not been reported in the literature in individuals affected with COL3A1-related conditions. ClinVar contains an entry for this variant (Variation ID: 843197). Invitae Evidence Modeling of protein sequence and biophysical properties (such as structural, functional, and spatial information, amino acid conservation, physicochemical variation, residue mobility, and thermodynamic stability) indicates that this missense variant is expected to disrupt COL3A1 protein function with a positive predictive value of 80%. In summary, the available evidence is currently insufficient to determine the role of this variant in disease. Therefore, it has been classified as a Variant of Uncertain Significance.

All of Us Research Program, National Institutes of Health
Classification: Uncertain significance for Ehlers-Danlos syndrome, type 4. Last evaluated: 2024-05-14. Review status: criteria provided, single submitter. Criteria: ACMG Guidelines, 2015. Collection method: clinical testing. Allele origin: germline. Inheritance: Autosomal dominant inheritance. Observed: 4 variant alleles, 4 heterozygotes.
Comment: This missense variant replaces proline with leucine at codon 893 of the COL3A1 protein. Computational prediction is inconclusive regarding the impact of this variant on protein structure and function (internally defined REVEL score threshold 0.5 < inconclusive < 0.7, PMID: 27666373). To our knowledge, functional studies have not been reported for this variant. This variant has not been reported in individuals affected with cardiovascular disorders in the literature. This variant has been identified in 2/247948 chromosomes in the general population by the Genome Aggregation Database (gnomAD). The available evidence is insufficient to determine the role of this variant in disease conclusively. Therefore, this variant is classified as a Variant of Uncertain Significance.

This study involves interpretation of variants in research participants for the purpose of population health screening. Participant phenotype was not available at the time of variant classification. Additional details can be found in publication PMID: 35346344, PMCID: PMC8962531

Color Diagnostics, LLC DBA Color Health
Classification: Uncertain significance for Familial thoracic aortic aneurysm and aortic dissection. Last evaluated: 2024-03-07. Review status: criteria provided, single submitter. Criteria: ACMG Guidelines, 2015. Collection method: clinical testing. Allele origin: germline.
Comment: This missense variant replaces proline with leucine at codon 893 of the COL3A1 protein. Computational prediction is inconclusive regarding the impact of this variant on protein structure and function (internally defined REVEL score threshold 0.5 < inconclusive < 0.7, PMID: 27666373). To our knowledge, functional studies have not been reported for this variant. This variant has not been reported in individuals affected with cardiovascular disorders in the literature. This variant has been identified in 2/247948 chromosomes in the general population by the Genome Aggregation Database (gnomAD). The available evidence is insufficient to determine the role of this variant in disease conclusively. Therefore, this variant is classified as a Variant of Uncertain Significance.

GeneDx
Classification: Uncertain significance. Last evaluated: 2022-12-05. Review status: criteria provided, single submitter. Criteria: GeneDx Variant Classification Process June 2021. Collection method: clinical testing. Allele origin: germline. Affected: yes.
Comment: Has not been previously published as pathogenic or benign to our knowledge; Not observed at significant frequency in large population cohorts (gnomAD); In silico analysis supports that this missense variant has a deleterious effect on protein structure/function; Occurs in the triple helical domain at the Y position in the canonical Gly-X-Y repeat; although this variant may have an effect on normal protein folding and function, missense substitution at the Y position is not a common mechanism of disease (HGMD)

Fulgent Genetics
Classification: Uncertain significance for Ehlers-Danlos syndrome, type 4; Polymicrogyria with or without vascular-type Ehlers-Danlos syndrome. Last evaluated: 2021-09-23. Review status: criteria provided, single submitter. Criteria: ACMG Guidelines, 2015. Collection method: clinical testing. Allele origin: unknown.